The following is an entry in ClinVar:

ClinVar aggregate classification (germline): Uncertain significance (1 of 4 stars; one submission).

gnomAD v4.1: 1 of 1,611,240 alleles (0.000062%); highest among the groups gnomAD compares: Non-Finnish European, 0.000085%; no homozygotes.

Submission:

GeneDx
Classification: Uncertain significance. Last evaluated: 2025-01-07. Review status: criteria provided, single submitter. Criteria: GeneDx Variant Classification Process June 2021. Collection method: clinical testing. Allele origin: germline. Affected: yes.
Comment: Not observed at significant frequency in large population cohorts (gnomAD); In silico analysis supports that this missense variant has a deleterious effect on protein structure/function; Has not been previously published as pathogenic or benign to our knowledge

NM_005862.3(STAG1):c.1299G>T (p.Glu433Asp)

Gene: STAG1 (STAG1 cohesin complex component; minus strand). Cytogenetic location: 3q22.3.
Variant type: single nucleotide variant.
Coding change: c.1299G>T on transcript NM_005862.3 (MANE Select); coding-DNA position 1299, G replaced by T.
Protein change: p.Glu433Asp; replaces glutamic acid 433 with aspartic acid.
Molecular consequence: missense variant.
Genome position (GRCh38, 1-based): chr3:136,464,895, C>A on the plus strand (G>T on the coding strand, the complement: STAG1 is on the minus strand). VCF-style: chr3-136464895-C-A. GRCh37 (hg19) VCF-style: chr3-136183737-C-A.
Other names: short protein forms E433D.
Identifiers: ClinVar variation 1303669 (VCV001303669.3), dbSNP rs1371189484, ClinGen allele CA354650660.